The following is an entry in ClinVar:

ClinVar aggregate classification (germline): Uncertain significance (1 of 4 stars; one submission).

Conditions:
RYR1-related disorder. Also called: RYR1-related condition; RYR1-related disorders. Identifiers: MedGen CN239331.

Submission:

Labcorp Genetics (formerly Invitae), Labcorp
Classification: Uncertain significance for RYR1-related disorder. Last evaluated: 2023-07-09. Review status: criteria provided, single submitter. Criteria: Invitae Variant Classification Sherloc (09022015). Collection method: clinical testing. Allele origin: germline.
Comment: This variant has not been reported in the literature in individuals affected with RYR1-related conditions. This variant is not present in population databases (gnomAD no frequency). This sequence change replaces serine, which is neutral and polar, with glycine, which is neutral and non-polar, at codon 304 of the RYR1 protein (p.Ser304Gly). In summary, the available evidence is currently insufficient to determine the role of this variant in disease. Therefore, it has been classified as a Variant of Uncertain Significance. Advanced modeling of protein sequence and biophysical properties (such as structural, functional, and spatial information, amino acid conservation, physicochemical variation, residue mobility, and thermodynamic stability) performed at Invitae indicates that this missense variant is not expected to disrupt RYR1 protein function.

NM_000540.3(RYR1):c.910A>G (p.Ser304Gly)

Gene: RYR1 (ryanodine receptor 1; plus strand). Cytogenetic location: 19q13.2.
Variant type: single nucleotide variant.
Coding change: c.910A>G on transcript NM_000540.3 (MANE Select); coding-DNA position 910, A replaced by G.
Protein change: p.Ser304Gly; replaces serine 304 with glycine.
Molecular consequence: missense variant.
Genome position (GRCh38, 1-based): chr19:38,448,464, A>G. VCF-style: chr19-38448464-A-G. GRCh37 (hg19) VCF-style: chr19-38939104-A-G.
Other names: c.910A>G, p.Ser304Gly (NM_001042723.2); short protein forms S304G.
Identifiers: ClinVar variation 2877258 (VCV002877258.3), dbSNP rs2513995311, ClinGen allele CA405682115.